The following is an entry in ClinVar:

NM_001040142.2(SCN2A):c.1561G>T (p.Asp521Tyr)

Gene: SCN2A (sodium voltage-gated channel alpha subunit 2; plus strand). Cytogenetic location: 2q24.3.
Variant type: single nucleotide variant.
Coding change: c.1561G>T on transcript NM_001040142.2 (MANE Select); coding-DNA position 1561, G replaced by T.
Protein change: p.Asp521Tyr; replaces aspartic acid 521 with tyrosine.
Molecular consequence: missense variant.
Genome position (GRCh38, 1-based): chr2:165,315,648, G>T. VCF-style: chr2-165315648-G-T. GRCh37 (hg19) VCF-style: chr2-166172158-G-T.
Other names: c.1561G>T, p.Asp521Tyr (NM_001040143.2, NM_001371246.1, NM_001371247.1 and 1 more transcripts); short protein forms D521Y.
Identifiers: ClinVar variation 3371808 (VCV003371808.2).

ClinVar aggregate classification (germline): Uncertain significance (1 of 4 stars; one submission).

Submission:

GeneDx
Classification: Uncertain significance. Last evaluated: 2026-02-07. Review status: criteria provided, single submitter. Criteria: GeneDx Variant Classification Process June 2021. Collection method: clinical testing. Allele origin: germline. Affected: yes.
Comment: Not observed at significant frequency in large population cohorts (gnomAD); In silico analysis supports that this missense variant has a deleterious effect on protein structure/function; This substitution is predicted to be in the cytoplasmic loop between the first and second homologous domains; Has not been previously published as pathogenic or benign to our knowledge